The following is an entry in ClinVar:

NM_138927.4(SON):c.1253G>T (p.Gly418Val)

Gene: SON (SON DNA and RNA binding protein; plus strand). Cytogenetic location: 21q22.11.
Variant type: single nucleotide variant.
Coding change: c.1253G>T on transcript NM_138927.4 (MANE Select); coding-DNA position 1253, G replaced by T.
Protein change: p.Gly418Val; replaces glycine 418 with valine.
Molecular consequence: missense variant. On other transcripts: non-coding transcript variant (1), intron variant (1).
Genome position (GRCh38, 1-based): chr21:33,550,484, G>T. VCF-style: chr21-33550484-G-T. GRCh37 (hg19) VCF-style: chr21-34922790-G-T.
Other names: c.1253G>T, p.Gly418Val (NM_001291411.2, NM_001412133.1, NM_032195.3 and 2 more transcripts); c.244+4105G>T (NM_001291412.3); short protein forms G418V.
Identifiers: ClinVar variation 2814277 (VCV002814277.3), dbSNP rs2517352009, ClinGen allele CA410153446.

ClinVar aggregate classification (germline): Uncertain significance (1 of 4 stars; one submission).

gnomAD v4.1: 2 of 1,613,816 alleles (0.00012%); highest among the groups gnomAD compares: Non-Finnish European, 0.00017%; no homozygotes.

Submission:

Labcorp Genetics (formerly Invitae), Labcorp
Classification: Uncertain significance. Last evaluated: 2024-02-23. Review status: criteria provided, single submitter. Criteria: Invitae Variant Classification Sherloc (09022015). Collection method: clinical testing. Allele origin: germline.
Comment: This sequence change replaces glycine, which is neutral and non-polar, with valine, which is neutral and non-polar, at codon 418 of the SON protein (p.Gly418Val). This variant is not present in population databases (gnomAD no frequency). This variant has not been reported in the literature in individuals affected with SON-related conditions. An algorithm developed to predict the effect of missense changes on protein structure and function (PolyPhen-2) suggests that this variant is likely to be disruptive. In summary, the available evidence is currently insufficient to determine the role of this variant in disease. Therefore, it has been classified as a Variant of Uncertain Significance.